The following is an entry in ClinVar:

NM_001211.6(BUB1B):c.1717G>C (p.Val573Leu)

Gene: BUB1B (BUB1 mitotic checkpoint serine/threonine kinase B; plus strand). Cytogenetic location: 15q15.1.
Variant type: single nucleotide variant.
Coding change: c.1717G>C on transcript NM_001211.6 (MANE Select); coding-DNA position 1717, G replaced by C.
Protein change: p.Val573Leu; replaces valine 573 with leucine.
Molecular consequence: missense variant.
Genome position (GRCh38, 1-based): chr15:40,202,677, G>C. VCF-style: chr15-40202677-G-C. GRCh37 (hg19) VCF-style: chr15-40494878-G-C.
Other names: short protein forms V573L.
Identifiers: ClinVar variation 1498314 (VCV001498314.9), dbSNP rs1390700281, ClinGen allele CA391691715.

ClinVar aggregate classification (germline): Uncertain significance. Review status: criteria provided, multiple submitters, no conflicts (2 of 4 stars). 2 submissions from 2 submitters: Uncertain significance (2). Last evaluated 2024-05-16.

Conditions:
Inborn genetic diseases. Identifiers: MedGen C0950123, MeSH D030342.
Mosaic variegated aneuploidy syndrome 1 (MVA1). Also called: Warburton-Anyane-Yeboa syndrome. Identifiers: Orphanet 1052, MedGen C1850343, MONDO:0009759, OMIM 257300.

Allele frequency attached by ClinVar (database versions not stated): TOPMed below 0.00001; gnomAD 0.00001; gnomAD exomes 0.00001.
gnomAD v4.1: 7 of 1,613,312 alleles (0.00043%); highest among the groups gnomAD compares: Non-Finnish European, 0.00059%; no homozygotes.

Submissions (2):

Ambry Genetics
Classification: Uncertain significance for Inborn genetic diseases. Last evaluated: 2024-05-16. Review status: criteria provided, single submitter. Criteria: Ambry Variant Classification Scheme 2023. Collection method: clinical testing. Allele origin: germline.
Comment: The p.V573L variant (also known as c.1717G>C), located in coding exon 14 of the BUB1B gene, results from a G to C substitution at nucleotide position 1717. The valine at codon 573 is replaced by leucine, an amino acid with highly similar properties. This amino acid position is conserved. In addition, this alteration is predicted to be tolerated by in silico analysis. Since supporting evidence is limited at this time, the clinical significance of this alteration remains unclear.

Labcorp Genetics (formerly Invitae), Labcorp
Classification: Uncertain significance for Mosaic variegated aneuploidy syndrome 1. Last evaluated: 2023-04-22. Review status: criteria provided, single submitter. Criteria: Invitae Variant Classification Sherloc (09022015). Collection method: clinical testing. Allele origin: germline.
Comment: This sequence change replaces valine, which is neutral and non-polar, with leucine, which is neutral and non-polar, at codon 573 of the BUB1B protein (p.Val573Leu). This variant is present in population databases (no rsID available, gnomAD 0.007%). This variant has not been reported in the literature in individuals affected with BUB1B-related conditions. ClinVar contains an entry for this variant (Variation ID: 1498314). Algorithms developed to predict the effect of missense changes on protein structure and function output the following: SIFT: "Not Available"; PolyPhen-2: "Benign"; Align-GVGD: "Not Available". The leucine amino acid residue is found in multiple mammalian species, which suggests that this missense change does not adversely affect protein function. In summary, the available evidence is currently insufficient to determine the role of this variant in disease. Therefore, it has been classified as a Variant of Uncertain Significance.